The following is an entry in ClinVar:

NM_014159.7(SETD2):c.7642A>G (p.Met2548Val)

Gene: SETD2 (SET domain containing 2, histone lysine methyltransferase; minus strand). Cytogenetic location: 3p21.31.
Variant type: single nucleotide variant.
Coding change: c.7642A>G on transcript NM_014159.7 (MANE Select); coding-DNA position 7642, A replaced by G.
Protein change: p.Met2548Val; replaces methionine 2548 with valine.
Molecular consequence: missense variant. On other transcripts: non-coding transcript variant (1).
Genome position (GRCh38, 1-based): chr3:47,017,146, T>C on the plus strand (A>G on the coding strand, the complement: SETD2 is on the minus strand). VCF-style: chr3-47017146-T-C. GRCh37 (hg19) VCF-style: chr3-47058636-T-C.
Other names: c.7510A>G, p.Met2504Val (NM_001349370.3); short protein forms M2504V, M2548V.
Identifiers: ClinVar variation 2580047 (VCV002580047.2), dbSNP rs1042058100, ClinGen allele CA73833175.

ClinVar aggregate classification (germline): Uncertain significance (1 of 4 stars; one submission).

Allele frequency attached by ClinVar (database versions not stated): gnomAD exomes below 0.00001; gnomAD 0.00001; TOPMed 0.00001.
gnomAD v4.1: 2 of 1,614,094 alleles (0.00012%); highest among the groups gnomAD compares: Admixed American, 0.0017%; no homozygotes.

Submission:

GeneDx
Classification: Uncertain significance. Last evaluated: 2024-05-14. Review status: criteria provided, single submitter. Criteria: GeneDx Variant Classification Process June 2021. Collection method: clinical testing. Allele origin: germline.
Comment: Not observed at significant frequency in large population cohorts (gnomAD); In silico analysis supports that this missense variant has a deleterious effect on protein structure/function; In silico analysis suggests this variant may impact gene splicing. In the absence of RNA/functional studies, the actual effect of this sequence change is unknown.; Has not been previously published as pathogenic or benign to our knowledge